The following is an entry in ClinVar:

ClinVar aggregate classification (germline): Uncertain significance (1 of 4 stars; one submission).

gnomAD v4.1: 2 of 1,613,976 alleles (0.00012%); highest among the groups gnomAD compares: Admixed American, 0.0033%; no homozygotes.

Submission:

Labcorp Genetics (formerly Invitae), Labcorp
Classification: Uncertain significance. Last evaluated: 2026-01-03. Review status: criteria provided, single submitter. Criteria: Invitae Variant Classification Sherloc (09022015). Collection method: clinical testing. Allele origin: germline.
Comment: This sequence change replaces aspartic acid, which is acidic and polar, with asparagine, which is neutral and polar, at codon 846 of the HYOU1 protein (p.Asp846Asn). This variant is present in population databases (no rsID available, gnomAD 0.006%). This variant has not been reported in the literature in individuals affected with HYOU1-related conditions. An algorithm developed to predict the effect of missense changes on protein structure and function (PolyPhen-2) suggests that this variant is likely to be tolerated. In summary, the available evidence is currently insufficient to determine the role of this variant in disease. Therefore, it has been classified as a Variant of Uncertain Significance.

NM_006389.5(HYOU1):c.2536G>A (p.Asp846Asn)

Gene: HYOU1 (hypoxia up-regulated 1; minus strand). Cytogenetic location: 11q23.3.
Variant type: single nucleotide variant.
Coding change: c.2536G>A on transcript NM_006389.5 (MANE Select); coding-DNA position 2536, G replaced by A.
Protein change: p.Asp846Asn; replaces aspartic acid 846 with asparagine.
Molecular consequence: missense variant.
Genome position (GRCh38, 1-based): chr11:119,047,793, C>T on the plus strand (G>A on the coding strand, the complement: HYOU1 is on the minus strand). VCF-style: chr11-119047793-C-T. GRCh37 (hg19) VCF-style: chr11-118918505-C-T.
Other names: c.2536G>A, p.Asp846Asn (NM_001130991.3, NM_001411041.1); short protein forms D846N.
Identifiers: ClinVar variation 4780399 (VCV004780399.1).